The following is an entry in ClinVar:

NM_001830.4(CLCN4):c.1867G>C (p.Glu623Gln)

Gene: CLCN4 (Cl-/H+ antiporter 4; plus strand). Cytogenetic location: Xp22.2.
Variant type: single nucleotide variant.
Coding change: c.1867G>C on transcript NM_001830.4 (MANE Select); coding-DNA position 1867, G replaced by C.
Protein change: p.Glu623Gln; replaces glutamic acid 623 with glutamine.
Molecular consequence: missense variant.
Genome position (GRCh38, 1-based): chrX:10,213,971, G>C. VCF-style: chrX-10213971-G-C. GRCh37 (hg19) VCF-style: chrX-10182011-G-C.
Other names: c.1585G>C, p.Glu529Gln (NM_001256944.2); short protein forms E529Q, E623Q.
Identifiers: ClinVar variation 4992567 (VCV004992567.1).

ClinVar aggregate classification (germline): Uncertain significance (1 of 4 stars; one submission).

Conditions:
CLCN4-related disorder. Identifiers: MedGen CN232948.

Submission:

PreventionGenetics, part of Exact Sciences
Classification: Uncertain significance for CLCN4-related condition. Last evaluated: 2025-10-13. Review status: criteria provided, single submitter. Criteria: ACMG Guidelines, 2015. Collection method: clinical testing. Allele origin: germline.
Comment: The CLCN4 c.1867G>C variant is predicted to result in the amino acid substitution p.Glu623Gln. To our knowledge, this variant has not been reported in the literature or in a large population database (gnomAD), indicating this variant is rare. At this time, the clinical significance of this variant is uncertain due to the absence of conclusive functional and genetic evidence.